The following is an entry in ClinVar:

ClinVar aggregate classification (germline): Uncertain significance (1 of 4 stars; one submission).

Conditions:
PEX6-related disorder. Also called: PEX6-related disorders; PEX6-related condition.

gnomAD v4.1: 1 of 1,614,106 alleles (0.000062%); highest among the groups gnomAD compares: Non-Finnish European, 0.000085%; no homozygotes.

Submission:

PreventionGenetics, part of Exact Sciences
Classification: Uncertain significance for PEX6-related condition. Last evaluated: 2025-12-21. Review status: criteria provided, single submitter. Criteria: ACMG Guidelines, 2015. Collection method: clinical testing. Allele origin: germline.
Comment: The PEX6 c.634C>T variant is predicted to result in the amino acid substitution p.Leu212Phe. To our knowledge, this variant has not been reported in the literature or in a large population database (gnomAD), indicating this variant is rare. At this time, the clinical significance of this variant is uncertain due to the absence of conclusive functional and genetic evidence.

NM_000287.4(PEX6):c.634C>T (p.Leu212Phe)

Gene: PEX6 (peroxisomal biogenesis factor 6; minus strand). Cytogenetic location: 6p21.1.
Variant type: single nucleotide variant.
Coding change: c.634C>T on transcript NM_000287.4 (MANE Select); coding-DNA position 634, C replaced by T.
Protein change: p.Leu212Phe; replaces leucine 212 with phenylalanine.
Molecular consequence: missense variant. On other transcripts: non-coding transcript variant (1), intron variant (1).
Genome position (GRCh38, 1-based): chr6:42,978,517, G>A on the plus strand (C>T on the coding strand, the complement: PEX6 is on the minus strand). VCF-style: chr6-42978517-G-A. GRCh37 (hg19) VCF-style: chr6-42946255-G-A.
Other names: c.618+16C>T (NM_001316313.2); short protein forms L212F.
Identifiers: ClinVar variation 4983890 (VCV004983890.1).